The following is an entry in ClinVar:

ClinVar aggregate classification (germline): Uncertain significance (0 of 4 stars; one submission).

Conditions:
Angelman syndrome (AS). Also called: HAPPY PUPPET SYNDROME. Identifiers: Orphanet 72, MedGen C0162635, MONDO:0007113, OMIM 105830. Disease mechanism: loss of function. Inheritance: AS is caused by disruption of maternally imprinted UBE3A located within the 15q11.2-q13 Angelman syndrome/Prader-Willi syndrome (AS/PWS) region., imprinting disorder.

Submission:

Baylor Genetics
Classification: Uncertain significance for Angelman syndrome. Last evaluated: 2014-02-14. Review status: no assertion criteria provided. Collection method: clinical testing. Allele origin: paternal. Affected: yes. Observed: 1 variant allele. Study: UBE3A Mutation Study.
Comment: possible diagnosis of Angelman syndrome

Data collected from clinical UBE3A sequence analysis results

Literature cited by the submitters: PubMed 25212744.

NM_130839.5(UBE3A):c.*46del

Genes: SNHG14 (small nucleolar RNA host gene 14; plus strand), UBE3A (ubiquitin protein ligase E3A; minus strand). Cytogenetic location: 15q11.2.
Variant type: Deletion.
Coding change: c.*46del on transcript NM_130839.5 (MANE Select); 46 bases downstream of the stop codon, one base deleted (A; older notation c.*46delA).
Molecular consequence: 3 prime UTR variant. On other transcripts: non-coding transcript variant (1).
Genome position (GRCh38, 1-based): chr15:25,339,091, T deleted on the plus strand (A on the coding strand, the reverse complement: UBE3A is on the minus strand); the first of 9 consecutive T bases (chr15:25,339,091-25,339,099); deleting any one gives the same sequence. VCF-style (leftmost placement, unchanged base first): chr15-25339090-CT-C. GRCh37 (hg19) VCF-style: chr15-25584237-CT-C.
Other names: c.*46del (NM_000462.5, NM_001354505.1, NM_001354506.2 and 24 more transcripts).
Identifiers: ClinVar variation 156148 (VCV000156148.1), dbSNP rs368425414, ClinGen allele CA333455.